The following is an entry in ClinVar:

NM_001876.4(CPT1A):c.1654G>A (p.Val552Ile)

Gene: CPT1A (carnitine palmitoyltransferase 1A; minus strand). Cytogenetic location: 11q13.3.
Variant type: single nucleotide variant.
Coding change: c.1654G>A on transcript NM_001876.4 (MANE Select); coding-DNA position 1654, G replaced by A.
Protein change: p.Val552Ile; replaces valine 552 with isoleucine.
Molecular consequence: missense variant.
Genome position (GRCh38, 1-based): chr11:68,773,351, C>T on the plus strand (G>A on the coding strand, the complement: CPT1A is on the minus strand). VCF-style: chr11-68773351-C-T. GRCh37 (hg19) VCF-style: chr11-68540819-C-T.
Other names: c.1654G>A, p.Val552Ile (NM_001031847.3); short protein forms V552I.
Identifiers: ClinVar variation 646226 (VCV000646226.7), dbSNP rs764692013, ClinGen allele CA6152245.

ClinVar aggregate classification (germline): Uncertain significance. Review status: criteria provided, multiple submitters, no conflicts (2 of 4 stars). 3 submissions from 3 submitters: Uncertain significance (2). 1 of the submissions does not count toward it. Last evaluated 2022-07-06.

Conditions:
Carnitine palmitoyl transferase 1A deficiency. Also called: Carnitine palmitoyltransferase type I deficiency; CPT I DEFICIENCY; CPT DEFICIENCY, HEPATIC, TYPE I; CPT deficiency, hepatic, type IA; Carnitine palmitoyltransferase 1A deficiency. Identifiers: Orphanet 156, MedGen C1829703, MONDO:0009705, OMIM 255120.

Allele frequency attached by ClinVar (database versions not stated): ExAC 0.00001; gnomAD 0.00001; gnomAD exomes 0.00001 and 0.00002; TOPMed 0.00003.
gnomAD v4.1: 11 of 1,614,008 alleles (0.00068%); highest among the groups gnomAD compares: Admixed American, 0.0083%; no homozygotes.

Submissions (3):

Labcorp Genetics (formerly Invitae), Labcorp
Classification: Uncertain significance for Carnitine palmitoyl transferase 1A deficiency. Last evaluated: 2022-07-06. Review status: criteria provided, single submitter. Criteria: Invitae Variant Classification Sherloc (09022015). Collection method: clinical testing. Allele origin: germline.
Comment: This sequence change replaces valine, which is neutral and non-polar, with isoleucine, which is neutral and non-polar, at codon 552 of the CPT1A protein (p.Val552Ile). This variant is present in population databases (rs764692013, gnomAD 0.01%). This variant has not been reported in the literature in individuals affected with CPT1A-related conditions. ClinVar contains an entry for this variant (Variation ID: 646226). Algorithms developed to predict the effect of missense changes on protein structure and function (SIFT, PolyPhen-2, Align-GVGD) all suggest that this variant is likely to be tolerated. In summary, the available evidence is currently insufficient to determine the role of this variant in disease. Therefore, it has been classified as a Variant of Uncertain Significance.

Revvity Omics, Revvity
Classification: Uncertain significance for Carnitine palmitoyl transferase 1A deficiency. Last evaluated: 2021-04-26. Review status: criteria provided, single submitter. Criteria: ACMG Guidelines, 2015. Collection method: clinical testing. Allele origin: germline.

Natera, Inc.
Classification: Uncertain significance for Carnitine palmitoyltransferase type I deficiency. Last evaluated: 2020-09-16. Review status: no assertion criteria provided. Collection method: clinical testing. Allele origin: germline. Not counted in ClinVar's aggregate classification.